The following is an entry in ClinVar:

ClinVar aggregate classification (germline): Uncertain significance. Review status: criteria provided, multiple submitters, no conflicts (2 of 4 stars). 2 submissions from 2 submitters: Uncertain significance (2). Last evaluated 2024-05-05.

Conditions:
Hereditary cancer-predisposing syndrome. Also called: Neoplastic Syndromes, Hereditary; Hereditary Cancer Syndrome; Hereditary neoplastic syndrome; Tumor predisposition. Identifiers: Orphanet 140162, MedGen C0027672, MeSH D009386, MONDO:0015356.

Submissions (2):

Ambry Genetics
Classification: Uncertain significance for Hereditary cancer-predisposing syndrome. Last evaluated: 2024-05-05. Review status: criteria provided, single submitter. Criteria: Ambry Variant Classification Scheme 2023. Collection method: clinical testing. Allele origin: germline.
Comment: The p.G199D variant (also known as c.596G>A), located in coding exon 7 of the POLE gene, results from a G to A substitution at nucleotide position 596. The glycine at codon 199 is replaced by aspartic acid, an amino acid with similar properties. This amino acid position is conserved. In addition, this alteration is predicted to be tolerated by in silico analysis. Based on the available evidence, the clinical significance of this variant remains unclear.

Labcorp Genetics (formerly Invitae), Labcorp
Classification: Uncertain significance. Last evaluated: 2022-02-02. Review status: criteria provided, single submitter. Criteria: Invitae Variant Classification Sherloc (09022015). Collection method: clinical testing. Allele origin: germline.
Comment: This sequence change replaces glycine, which is neutral and non-polar, with aspartic acid, which is acidic and polar, at codon 199 of the POLE protein (p.Gly199Asp). This variant is not present in population databases (gnomAD no frequency). This variant has not been reported in the literature in individuals affected with POLE-related conditions. ClinVar contains an entry for this variant (Variation ID: 1059953). Algorithms developed to predict the effect of missense changes on protein structure and function (SIFT, PolyPhen-2, Align-GVGD) all suggest that this variant is likely to be tolerated. In summary, the available evidence is currently insufficient to determine the role of this variant in disease. Therefore, it has been classified as a Variant of Uncertain Significance.

NM_006231.4(POLE):c.596G>A (p.Gly199Asp)

Gene: POLE (DNA polymerase epsilon, catalytic subunit; minus strand). Cytogenetic location: 12q24.33.
Variant type: single nucleotide variant.
Coding change: c.596G>A on transcript NM_006231.4 (MANE Select); coding-DNA position 596, G replaced by A.
Protein change: p.Gly199Asp; replaces glycine 199 with aspartic acid.
Molecular consequence: missense variant.
Genome position (GRCh38, 1-based): chr12:132,677,702, C>T on the plus strand (G>A on the coding strand, the complement: POLE is on the minus strand). VCF-style: chr12-132677702-C-T. GRCh37 (hg19) VCF-style: chr12-133254288-C-T.
Other names: c.596G>A (NM_006231.2); short protein forms G199D.
Identifiers: ClinVar variation 1059953 (VCV001059953.10), dbSNP rs1593082154, ClinGen allele CA387365435.